The following is an entry in ClinVar:

NM_004168.4(SDHA):c.151-9C>T

Gene: SDHA (succinate dehydrogenase complex flavoprotein subunit A; plus strand). Cytogenetic location: 5p15.33.
Variant type: single nucleotide variant.
Coding change: c.151-9C>T on transcript NM_004168.4 (MANE Select); 9 bases into the intron before coding-DNA position 151, C replaced by T.
Molecular consequence: intron variant.
Genome position (GRCh38, 1-based): chr5:224,351, C>T. VCF-style: chr5-224351-C-T. GRCh37 (hg19) VCF-style: chr5-224466-C-T.
Other names: c.151-9C>T (NM_001330758.2, NM_001294332.2).
Identifiers: ClinVar variation 1418733 (VCV001418733.7), dbSNP rs1734881724, ClinGen allele CA1072367513.

ClinVar aggregate classification (germline): Likely benign. Review status: criteria provided, multiple submitters, no conflicts (2 of 4 stars). 2 submissions from 2 submitters: Likely benign (2). Last evaluated 2025-02-28.

Conditions:
Mitochondrial complex II deficiency, nuclear type 1. Also called: SUCCINATE CoQ REDUCTASE DEFICIENCY. Identifiers: Orphanet 3208, MedGen C5700310, MONDO:0100294, OMIM 252011.
Pheochromocytoma/paraganglioma syndrome 5. Also called: Paragangliomas 5; SDHA-Related Hereditary Paraganglioma-Pheochromocytoma Syndrome. Identifiers: Orphanet 29072, MedGen C3279992, MONDO:0013602, OMIM 614165.

Allele frequency attached by ClinVar (database versions not stated): TOPMed below 0.00001; gnomAD 0.00001.
gnomAD v4.1: 1 of 1,612,518 alleles (0.000062%); highest among the groups gnomAD compares: African/African-American, 0.0013%; no homozygotes.

Submissions (2):

Myriad Genetics, Inc.
Classification: Likely benign for Pheochromocytoma/paraganglioma syndrome 5. Last evaluated: 2025-02-28. Review status: criteria provided, single submitter. Criteria: Myriad Autosomal Dominant, Autosomal Recessive and X-Linked Classification Criteria (2023). Collection method: clinical testing. Allele origin: unknown.
Comment: This variant is considered likely benign. This variant is intronic and is not expected to impact mRNA splicing.

Labcorp Genetics (formerly Invitae), Labcorp
Classification: Likely benign for Pheochromocytoma/paraganglioma syndrome 5; Mitochondrial complex II deficiency, nuclear type 1. Last evaluated: 2023-08-10. Review status: criteria provided, single submitter. Criteria: Invitae Variant Classification Sherloc (09022015). Collection method: clinical testing. Allele origin: germline.